The following is an entry in ClinVar:

NM_014339.7(IL17RA):c.1835C>T (p.Pro612Leu)

Gene: IL17RA (interleukin 17 receptor A; plus strand). Cytogenetic location: 22q11.1.
Variant type: single nucleotide variant.
Coding change: c.1835C>T on transcript NM_014339.7 (MANE Select); coding-DNA position 1835, C replaced by T.
Protein change: p.Pro612Leu; replaces proline 612 with leucine.
Molecular consequence: missense variant.
Genome position (GRCh38, 1-based): chr22:17,109,054, C>T. VCF-style: chr22-17109054-C-T. GRCh37 (hg19) VCF-style: chr22-17589944-C-T.
Other names: c.1733C>T, p.Pro578Leu (NM_001289905.2); short protein forms P612L, P578L.
Identifiers: ClinVar variation 1938337 (VCV001938337.5), dbSNP rs1451038504, ClinGen allele CA410219143.

ClinVar aggregate classification (germline): Uncertain significance (1 of 4 stars; one submission).

Conditions:
Immunodeficiency 51 (IMD51). Also called: CANDIDIASIS, FAMILIAL, 5. Identifiers: Orphanet 1334, MedGen C4310803, MONDO:0013500, OMIM 613953.

Submission:

Labcorp Genetics (formerly Invitae), Labcorp
Classification: Uncertain significance for Immunodeficiency 51. Last evaluated: 2022-04-10. Review status: criteria provided, single submitter. Criteria: Invitae Variant Classification Sherloc (09022015). Collection method: clinical testing. Allele origin: germline.
Comment: In summary, the available evidence is currently insufficient to determine the role of this variant in disease. Therefore, it has been classified as a Variant of Uncertain Significance. Algorithms developed to predict the effect of missense changes on protein structure and function output the following: SIFT: "Deleterious"; PolyPhen-2: "Benign"; Align-GVGD: "Class C0". The leucine amino acid residue is found in multiple mammalian species, which suggests that this missense change does not adversely affect protein function. This variant has not been reported in the literature in individuals affected with IL17RA-related conditions. This variant is present in population databases (no rsID available, gnomAD 0.01%). This sequence change replaces proline, which is neutral and non-polar, with leucine, which is neutral and non-polar, at codon 612 of the IL17RA protein (p.Pro612Leu).